The following is an entry in ClinVar:

ClinVar aggregate classification (germline): Uncertain significance (1 of 4 stars; one submission).

Conditions:
Autosomal recessive limb-girdle muscular dystrophy type 2J (LGMDR10). Also called: Limb-girdle muscular dystrophy, type 2J; MUSCULAR DYSTROPHY, LIMB-GIRDLE, AUTOSOMAL RECESSIVE 10. Identifiers: Orphanet 140922, MedGen C1837342, MONDO:0012127, OMIM 608807.
Dilated cardiomyopathy 1G (CMD1G). Identifiers: Orphanet 154, MedGen C1858763, MONDO:0011400, OMIM 604145.

gnomAD v4.1: 3 of 1,611,356 alleles (0.00019%); highest among the groups gnomAD compares: African/African-American, 0.004%; no homozygotes.

Submission:

Labcorp Genetics (formerly Invitae), Labcorp
Classification: Uncertain significance for Dilated cardiomyopathy 1G; Autosomal recessive limb-girdle muscular dystrophy type 2J. Last evaluated: 2024-12-03. Review status: criteria provided, single submitter. Criteria: Invitae Variant Classification Sherloc (09022015). Collection method: clinical testing. Allele origin: germline.
Comment: This sequence change replaces aspartic acid, which is acidic and polar, with glutamic acid, which is acidic and polar, at codon 35909 of the TTN protein (p.Asp35909Glu). This variant is not present in population databases (gnomAD no frequency). This variant has not been reported in the literature in individuals affected with TTN-related conditions. An algorithm developed to predict the effect of missense changes on protein structure and function outputs the following: PolyPhen-2: "Not Available". The glutamic acid amino acid residue is found in multiple mammalian species, which suggests that this missense change does not adversely affect protein function. This variant is located in the M band of TTN (PMID: 25589632). Non-truncating variants in this region may be relevant for neuromuscular disorders, but have not been definitively shown to cause cardiomyopathy (PMID: 23975875). In summary, the available evidence is currently insufficient to determine the role of this variant in disease. Therefore, it has been classified as a Variant of Uncertain Significance.

Literature cited by the submitters: PubMed 25589632; PubMed 23975875.

NM_001267550.2(TTN):c.107727T>A (p.Asp35909Glu)

Genes: TTN-AS1 (TTN antisense RNA 1; plus strand), TTN (titin; minus strand). Cytogenetic location: 2q31.2.
Variant type: single nucleotide variant.
Coding change: c.107727T>A on transcript NM_001267550.2 (MANE Select); coding-DNA position 107727, T replaced by A.
Protein change: p.Asp35909Glu; replaces aspartic acid 35909 with glutamic acid.
Molecular consequence: missense variant.
Genome position (GRCh38, 1-based): chr2:178,527,261, A>T on the plus strand (T>A on the coding strand, the complement: TTN is on the minus strand). VCF-style: chr2-178527261-A-T. GRCh37 (hg19) VCF-style: chr2-179391988-A-T.
Other names: c.102804T>A, p.Asp34268Glu (NM_001256850.1); c.80532T>A, p.Asp26844Glu (NM_003319.4); c.100023T>A, p.Asp33341Glu (NM_133378.4); c.80907T>A, p.Asp26969Glu (NM_133432.3); c.81108T>A, p.Asp27036Glu (NM_133437.4); short protein forms D26844E, D26969E, D27036E, D33341E, D34268E, D35909E.
Identifiers: ClinVar variation 3762762 (VCV003762762.2).